The following is an entry in ClinVar:

NM_002204.4(ITGA3):c.1922+4G>A

Gene: ITGA3 (integrin subunit alpha 3; plus strand). Cytogenetic location: 17q21.33.
Variant type: single nucleotide variant.
Coding change: c.1922+4G>A on transcript NM_002204.4 (MANE Select); 4 bases into the intron after coding-DNA position 1922, G replaced by A.
Molecular consequence: intron variant.
Genome position (GRCh38, 1-based): chr17:50,076,685, G>A. VCF-style: chr17-50076685-G-A. GRCh37 (hg19) VCF-style: chr17-48154049-G-A.
Identifiers: ClinVar variation 3051394 (VCV003051394.3), dbSNP rs200592512, ClinGen allele CA8641740.

ClinVar aggregate classification (germline): Uncertain significance. Review status: criteria provided, single submitter (1 of 4 stars). 2 submissions from 2 submitters: Uncertain significance (1). 1 of the submissions does not count toward it. Last evaluated 2024-03-10.

Conditions:
ITGA3-related disorder. Also called: ITGA3-related condition.
Epidermolysis bullosa, junctional 7, with interstitial lung disease and nephrotic syndrome. Also called: Interstitial Lung Disease with Nephrotic Syndrome and Epidermolysis Bullosa; Interstitial lung disease, nephrotic syndrome, and epidermolysis bullosa, congenital. Identifiers: Orphanet 306504, MedGen C4518785, MONDO:0013881, OMIM 614748.

Allele frequency attached by ClinVar (database versions not stated): 1000 Genomes Project 30x 0.00031; 1000 Genomes Project 0.00040; ESP Exome Variant Server 0.00008; gnomAD 0.00010; TOPMed 0.00009; ExAC 0.00009.
gnomAD v4.1: 213 of 1,611,526 alleles (0.013%); highest among the groups gnomAD compares: Non-Finnish European, 0.017%; no homozygotes.

Submissions (2):

Fulgent Genetics
Classification: Uncertain significance for Epidermolysis bullosa, junctional 7, with interstitial lung disease and nephrotic syndrome. Last evaluated: 2024-03-10. Review status: criteria provided, single submitter. Criteria: ACMG Guidelines, 2015. Collection method: clinical testing. Allele origin: germline.

PreventionGenetics, part of Exact Sciences
Classification: Likely benign for ITGA3-related condition. Last evaluated: 2019-03-18. Review status: no assertion criteria provided. Collection method: clinical testing. Allele origin: germline. Not counted in ClinVar's aggregate classification.
Comment: This variant is classified as likely benign based on ACMG/AMP sequence variant interpretation guidelines (Richards et al. 2015 PMID: 25741868, with internal and published modifications).